The following is an entry in ClinVar:

ClinVar aggregate classification (germline): Benign/Likely benign. Review status: criteria provided, multiple submitters, no conflicts (2 of 4 stars). 4 submissions from 4 submitters: Benign (1); Likely benign (3). Last evaluated 2025-11-17.

Conditions:
Hereditary nonpolyposis colorectal neoplasms. Identifiers: MedGen C0009405, MeSH D003123.
Hereditary cancer-predisposing syndrome. Also called: Tumor predisposition; Hereditary Cancer Syndrome; Neoplastic Syndromes, Hereditary; Hereditary neoplastic syndrome. Identifiers: Orphanet 140162, MedGen C0027672, MeSH D009386, MONDO:0015356.
Lynch syndrome 5 (LYNCH5). Also called: Colorectal cancer, hereditary nonpolyposis, type 5; Hereditary non-polyposis colorectal cancer, type 5. Identifiers: Orphanet 144, MedGen C1833477, MONDO:0013710, OMIM 614350. Disease mechanism: loss of function.

Submissions (4):

Labcorp Genetics (formerly Invitae), Labcorp
Classification: Likely benign for Hereditary nonpolyposis colorectal neoplasms. Last evaluated: 2025-11-17. Review status: criteria provided, single submitter. Criteria: Invitae Variant Classification Sherloc (09022015). Collection method: clinical testing. Allele origin: germline.

Color Diagnostics, LLC DBA Color Health
Classification: Likely benign for Hereditary cancer-predisposing syndrome. Last evaluated: 2025-09-18. Review status: criteria provided, single submitter. Criteria: ACMG Guidelines, 2015. Collection method: clinical testing. Allele origin: germline.

Myriad Genetics, Inc.
Classification: Benign for Lynch syndrome 5. Last evaluated: 2024-12-18. Review status: criteria provided, single submitter. Criteria: Myriad Autosomal Dominant, Autosomal Recessive and X-Linked Classification Criteria (2023). Collection method: clinical testing. Allele origin: unknown.
Comment: This variant is considered benign. This variant is a silent/synonymous amino acid change and it is not expected to impact splicing.

Ambry Genetics
Classification: Likely benign for Hereditary cancer-predisposing syndrome. Last evaluated: 2021-12-10. Review status: criteria provided, single submitter. Criteria: Ambry Variant Classification Scheme 2023. Collection method: clinical testing. Allele origin: germline.

NM_000179.3(MSH6):c.270C>T (p.Phe90=)

Gene: MSH6 (mutS homolog 6; plus strand). Cytogenetic location: 2p16.3.
Variant type: single nucleotide variant.
Coding change: c.270C>T on transcript NM_000179.3 (MANE Select); coding-DNA position 270, C replaced by T.
Protein change: p.Phe90=; no amino-acid change (phenylalanine 90 retained).
Molecular consequence: synonymous variant. On other transcripts: 5 prime UTR variant (21), non-coding transcript variant (5), intron variant (5).
Genome position (GRCh38, 1-based): chr2:47,790,936, C>T. VCF-style: chr2-47790936-C-T. GRCh37 (hg19) VCF-style: chr2-48018075-C-T.
Other names: c.-467C>T (NM_001281493.2, NM_001406811.1, NM_001406823.1 and 1 more transcripts); c.-633C>T (NM_001281494.2); c.366C>T, p.Phe122= (NM_001406795.1, NM_001406802.1); c.270C>T, p.Phe90= (NM_001406796.1, NM_001406798.1, NM_001406800.1 and 6 more transcripts); c.-28C>T (NM_001406797.1, NM_001406801.1, NM_001406805.1 and 10 more transcripts); c.192C>T, p.Phe64= (NM_001406804.1); c.-659C>T (NM_001406807.1); c.-314C>T (NM_001406812.1); and 6 more.
Identifiers: ClinVar variation 1795050 (VCV001795050.5), dbSNP rs2104098775, ClinGen allele CA425989042.